The following is an entry in ClinVar:

ClinVar aggregate classification (germline): Likely benign. Review status: reviewed by expert panel (3 of 4 stars). 6 submissions from 6 submitters: Likely benign (1). 5 of the submissions do not count toward it. Last evaluated 2017-06-29.

Conditions:
Hereditary cancer-predisposing syndrome. Also called: Hereditary neoplastic syndrome; Hereditary Cancer Syndrome; Neoplastic Syndromes, Hereditary; Tumor predisposition. Identifiers: Orphanet 140162, MedGen C0027672, MeSH D009386, MONDO:0015356.
Breast-ovarian cancer, familial, susceptibility to, 2 (BROVCA2). Also called: BRCA2 Hereditary Breast and Ovarian Cancer. Identifiers: Orphanet 145, MedGen C2675520, MONDO:0012933, OMIM 612555. Disease mechanism: loss of function.
Hereditary breast ovarian cancer syndrome. Also called: Hereditary breast and ovarian cancer syndrome; BRCA1- and BRCA2-Associated Hereditary Breast and Ovarian Cancer; Hereditary breast and/or ovarian cancer syndrome; Hereditary breast and ovarian cancer; Breast and ovarian cancer; Hereditary breast and ovarian cancer syndrome (HBOC). Identifiers: Orphanet 145, MedGen C0677776, MeSH D061325, MONDO:0003582. Disease mechanism: loss of function.

Allele frequency attached by ClinVar (database versions not stated): gnomAD exomes below 0.00001 and 0.00001; TOPMed below 0.00001; ExAC 0.00001.

Submissions (6):

Evidence-based Network for the Interpretation of Germline Mutant Alleles (ENIGMA)
Classification: Likely benign for Breast-ovarian cancer, familial, susceptibility to, 2. Last evaluated: 2017-06-29. Review status: reviewed by expert panel. Criteria: ENIGMA BRCA1/2 Classification Criteria (2017-06-29). Collection method: curation. Allele origin: germline.
Comment: Synonymous substitution variant, with low bioinformatic likelihood to result in a splicing aberration (Splicing prior probability 0.02).

Labcorp Genetics (formerly Invitae), Labcorp
Classification: Likely benign for Hereditary breast ovarian cancer syndrome. Last evaluated: 2025-12-08. Review status: criteria provided, single submitter. Criteria: Invitae Variant Classification Sherloc (09022015). Collection method: clinical testing. Allele origin: germline. Not counted in ClinVar's aggregate classification.

Quest Diagnostics Nichols Institute San Juan Capistrano
Classification: Likely benign. Last evaluated: 2025-04-23. Review status: criteria provided, single submitter. Criteria: Quest Diagnostics criteria. Collection method: clinical testing. Allele origin: unknown. Not counted in ClinVar's aggregate classification.

GeneDx
Classification: Likely benign. Last evaluated: 2017-09-25. Review status: criteria provided, single submitter. Criteria: GeneDx Variant Classification (06012015). Collection method: clinical testing. Allele origin: germline. Affected: yes. Not counted in ClinVar's aggregate classification.
Comment: This variant is considered likely benign or benign based on one or more of the following criteria: it is a conservative change, it occurs at a poorly conserved position in the protein, it is predicted to be benign by multiple in silico algorithms, and/or has population frequency not consistent with disease.

Color Diagnostics, LLC DBA Color Health
Classification: Likely benign for Hereditary cancer-predisposing syndrome. Last evaluated: 2017-03-08. Review status: criteria provided, single submitter. Criteria: ACMG Guidelines, 2015. Collection method: clinical testing. Allele origin: germline. Not counted in ClinVar's aggregate classification.

Ambry Genetics
Classification: Likely benign for Hereditary cancer-predisposing syndrome. Last evaluated: 2016-12-23. Review status: criteria provided, single submitter. Criteria: Ambry Variant Classification Scheme 2023. Collection method: clinical testing. Allele origin: germline. Not counted in ClinVar's aggregate classification.

NM_000059.4(BRCA2):c.8592C>T (p.Ala2864=)

Gene: BRCA2 (BRCA2 DNA repair associated; plus strand). Cytogenetic location: 13q13.1.
Variant type: single nucleotide variant.
Coding change: c.8592C>T on transcript NM_000059.4 (MANE Select); coding-DNA position 8592, C replaced by T.
Protein change: p.Ala2864=; no amino-acid change (alanine 2864 retained).
Molecular consequence: synonymous variant.
Genome position (GRCh38, 1-based): chr13:32,371,060, C>T. VCF-style: chr13-32371060-C-T. GRCh37 (hg19) VCF-style: chr13-32945197-C-T.
Identifiers: ClinVar variation 427506 (VCV000427506.22), dbSNP rs776881072, ClinGen allele CA6941261.